The following is an entry in ClinVar:

NM_000051.4(ATM):c.6573-43_6573-42del

Genes: ATM (ATM serine/threonine kinase; plus strand), C11orf65 (chromosome 11 open reading frame 65; minus strand). Cytogenetic location: 11q22.3.
Variant type: Deletion.
Coding change: c.6573-43_6573-42del on transcript NM_000051.4 (MANE Select); 43 bases into the intron before coding-DNA position 6573 through 42 bases into the intron before coding-DNA position 6573, 2 bases deleted (TT; older notation c.6573-43_6573-42delTT).
Molecular consequence: intron variant.
Genome position (GRCh38, 1-based): chr11:108,325,267-108,325,268, TT deleted; deleting any 2 consecutive bases within chr11:108,325,250-108,325,268 gives the same sequence; the c. name uses the placement nearest the transcript's 3' end. VCF-style (leftmost placement, unchanged base first): chr11-108325249-GTT-G. GRCh37 (hg19) VCF-style: chr11-108195976-GTT-G.
Other names: c.6573-43_6573-42del (NM_001351834.2); c.641-16180_641-16179del (NM_001330368.2); c.*38+9969_*38+9970del (NM_001351110.2).
Identifiers: ClinVar variation 1203618 (VCV001203618.7), dbSNP rs11366542, ClinGen allele CA228411795.
Genomic context (GRCh38, chr11:108,325,249, plus strand): 5'-CACTACAAAAGTTCCTTTGTATTATTATAATATTATATCGTAAGTTCCAGAACTTACATA[GTT>G]TTTTTTTTTTTTTTTTTCATTTCTCTTGCTTACATGAACTCTATGTCGTGGCATTCAGAT-3'

ClinVar aggregate classification (germline): Benign/Likely benign. Review status: criteria provided, multiple submitters, no conflicts (2 of 4 stars). 2 submissions from 2 submitters: Benign (1); Likely benign (1). Last evaluated 2023-11-12.

Submissions (2):

Unidad de Genómica Garrahan, Hospital de Pediatría Garrahan
Classification: Benign. Last evaluated: 2023-11-12. Review status: criteria provided, single submitter. Criteria: ACMG Guidelines, 2015. Collection method: clinical testing. Allele origin: germline. Affected: no. Observed: 78 variant alleles.
Comment: This variant is classified as Benign based on local population frequency. This variant was detected in 81% of patients studied by a panel of primary immunodeficiencies. Number of patients: 78. Only high quality variants are reported.

GeneDx
Classification: Likely benign. Last evaluated: 2019-08-13. Review status: criteria provided, single submitter. Criteria: GeneDx Variant Classification Process June 2021. Collection method: clinical testing. Allele origin: germline. Affected: yes.